The following is an entry in ClinVar:

ClinVar aggregate classification (germline): Uncertain significance. Review status: criteria provided, multiple submitters, no conflicts (2 of 4 stars). 2 submissions from 2 submitters: Uncertain significance (2). Last evaluated 2024-03-05.

Allele frequency attached by ClinVar (database versions not stated): gnomAD 0.00001; ExAC 0.00002; ESP Exome Variant Server 0.00008.

Submissions (2):

Blueprint Genetics
Classification: Uncertain significance. Last evaluated: 2024-03-05. Review status: criteria provided, single submitter. Criteria: ACMG Guidelines, 2015. Collection method: clinical testing. Allele origin: germline.

Labcorp Genetics (formerly Invitae), Labcorp
Classification: Uncertain significance. Last evaluated: 2022-08-04. Review status: criteria provided, single submitter. Criteria: Invitae Variant Classification Sherloc (09022015). Collection method: clinical testing. Allele origin: germline.
Comment: This sequence change replaces methionine, which is neutral and non-polar, with valine, which is neutral and non-polar, at codon 379 of the KCNV2 protein (p.Met379Val). This variant is present in population databases (rs370412027, gnomAD 0.003%). This variant has not been reported in the literature in individuals affected with KCNV2-related conditions. Advanced modeling of protein sequence and biophysical properties (such as structural, functional, and spatial information, amino acid conservation, physicochemical variation, residue mobility, and thermodynamic stability) performed at Invitae indicates that this missense variant is not expected to disrupt KCNV2 protein function. In summary, the available evidence is currently insufficient to determine the role of this variant in disease. Therefore, it has been classified as a Variant of Uncertain Significance.

NM_133497.4(KCNV2):c.1135A>G (p.Met379Val)

Gene: KCNV2 (potassium voltage-gated channel modifier subfamily V member 2; plus strand). Cytogenetic location: 9p24.2.
Variant type: single nucleotide variant.
Coding change: c.1135A>G on transcript NM_133497.4 (MANE Select); coding-DNA position 1135, A replaced by G.
Protein change: p.Met379Val; replaces methionine 379 with valine.
Molecular consequence: missense variant.
Genome position (GRCh38, 1-based): chr9:2,718,874, A>G. VCF-style: chr9-2718874-A-G. GRCh37 (hg19) VCF-style: chr9-2718874-A-G.
Other names: short protein forms M379V.
Identifiers: ClinVar variation 1930275 (VCV001930275.3), dbSNP rs370412027, ClinGen allele CA4965782.